The following is an entry in ClinVar:

ClinVar aggregate classification (germline): Uncertain significance. Review status: criteria provided, multiple submitters, no conflicts (2 of 4 stars). 2 submissions from 2 submitters: Uncertain significance (2). Last evaluated 2024-03-22.

Allele frequency attached by ClinVar (database versions not stated): gnomAD exomes below 0.00001 and 0.00001; gnomAD 0.00001; TOPMed 0.00001.
gnomAD v4.1: 21 of 1,614,028 alleles (0.0013%); highest among the groups gnomAD compares: African/African-American, 0.0027%; no homozygotes.

Submissions (2):

Labcorp Genetics (formerly Invitae), Labcorp
Classification: Uncertain significance. Last evaluated: 2024-03-22. Review status: criteria provided, single submitter. Criteria: Invitae Variant Classification Sherloc (09022015). Collection method: clinical testing. Allele origin: germline.
Comment: This sequence change replaces valine, which is neutral and non-polar, with methionine, which is neutral and non-polar, at codon 2044 of the MTOR protein (p.Val2044Met). This variant is present in population databases (no rsID available, gnomAD 0.004%). This variant has not been reported in the literature in individuals affected with MTOR-related conditions. ClinVar contains an entry for this variant (Variation ID: 941307). Advanced modeling of protein sequence and biophysical properties (such as structural, functional, and spatial information, amino acid conservation, physicochemical variation, residue mobility, and thermodynamic stability) performed at Invitae indicates that this missense variant is not expected to disrupt MTOR protein function with a negative predictive value of 95%. In summary, the available evidence is currently insufficient to determine the role of this variant in disease. Therefore, it has been classified as a Variant of Uncertain Significance.

CeGaT Center for Human Genetics Tuebingen
Classification: Uncertain significance. Last evaluated: 2023-06-01. Review status: criteria provided, single submitter. Criteria: CeGaT Center For Human Genetics Tuebingen Variant Classification Criteria Version 2. Collection method: clinical testing. Allele origin: germline. Affected: yes. Observed: 1 variant allele.
Comment: MTOR: PM2, PP2, PP3

NM_004958.4(MTOR):c.6130G>A (p.Val2044Met)

Gene: MTOR (mechanistic target of rapamycin kinase; minus strand). Cytogenetic location: 1p36.22.
Variant type: single nucleotide variant.
Coding change: c.6130G>A on transcript NM_004958.4 (MANE Select); coding-DNA position 6130, G replaced by A.
Protein change: p.Val2044Met; replaces valine 2044 with methionine.
Molecular consequence: missense variant.
Genome position (GRCh38, 1-based): chr1:11,127,710, C>T on the plus strand (G>A on the coding strand, the complement: MTOR is on the minus strand). VCF-style: chr1-11127710-C-T. GRCh37 (hg19) VCF-style: chr1-11187767-C-T.
Other names: short protein forms V2044M.
Identifiers: ClinVar variation 941307 (VCV000941307.33), dbSNP rs868627779, ClinGen allele CA17941425.